The following is an entry in ClinVar:

NM_018100.4(EFHC1):c.187G>A (p.Asp63Asn)

Gene: EFHC1 (EF-hand domain containing 1; plus strand). Cytogenetic location: 6p12.2.
Variant type: single nucleotide variant.
Coding change: c.187G>A on transcript NM_018100.4 (MANE Select); coding-DNA position 187, G replaced by A.
Protein change: p.Asp63Asn; replaces aspartic acid 63 with asparagine.
Molecular consequence: missense variant. On other transcripts: non-coding transcript variant (1).
Genome position (GRCh38, 1-based): chr6:52,424,069, G>A. VCF-style: chr6-52424069-G-A. GRCh37 (hg19) VCF-style: chr6-52288867-G-A.
Other names: c.130G>A, p.Asp44Asn (NM_001172420.2); short protein forms D63N, D44N.
Identifiers: ClinVar variation 534106 (VCV000534106.10), dbSNP rs750083920, ClinGen allele CA3855690.
Genomic context (GRCh38, chr6:52,424,069, plus strand): 5'-CCAACAGTTGGGATAGGCGGAGACCGGCTCCAGTTCAACCAGCTGTCCCAGGCTGAGCTG[G>A]ATGAGTTGGCCAGTAAGGCACCAGTCTTAACTTATGGCCAACCTAAACAAGCCCCACCTG-3'
Protein context (NP_060570.2, residues 53-73): QFNQLSQAEL[Asp63Asn]ELASKAPVLT

ClinVar aggregate classification (germline): Uncertain significance (1 of 4 stars; one submission).

Conditions:
Absence seizure. Also called: Absence epilepsy. Identifiers: Orphanet 1941, MedGen C0014553.
Myoclonic epilepsy, juvenile, susceptibility to, 1. Also called: Myoclonic Epilepsy, Juvenile, 1; EJM1. Identifiers: MedGen C1850778, MONDO:0020752, OMIM 254770.

Allele frequency attached by ClinVar (database versions not stated): ExAC 0.00001; gnomAD exomes 0.00001; TOPMed below 0.00001.
gnomAD v4.1: 4 of 1,614,142 alleles (0.00025%); highest among the groups gnomAD compares: Admixed American, 0.005%; no homozygotes.

Submission:

Labcorp Genetics (formerly Invitae), Labcorp
Classification: Uncertain significance for Myoclonic epilepsy, juvenile, susceptibility to, 1; Absence seizure. Last evaluated: 2022-01-15. Review status: criteria provided, single submitter. Criteria: Invitae Variant Classification Sherloc (09022015). Collection method: clinical testing. Allele origin: germline.
Comment: Algorithms developed to predict the effect of missense changes on protein structure and function (SIFT, PolyPhen-2, Align-GVGD) all suggest that this variant is likely to be tolerated. ClinVar contains an entry for this variant (Variation ID: 534106). This variant has not been reported in the literature in individuals affected with EFHC1-related conditions. This variant is present in population databases (rs750083920, gnomAD 0.006%). This sequence change replaces aspartic acid, which is acidic and polar, with asparagine, which is neutral and polar, at codon 63 of the EFHC1 protein (p.Asp63Asn). In summary, the available evidence is currently insufficient to determine the role of this variant in disease. Therefore, it has been classified as a Variant of Uncertain Significance.